The following is an entry in ClinVar:

ClinVar aggregate classification (germline): Conflicting classifications of pathogenicity. Review status: criteria provided, conflicting classifications (1 of 4 stars). 3 submissions from 3 submitters: Uncertain significance (1); Likely benign (2). Last evaluated 2025-10-14.

Conditions:
Adams-Oliver syndrome 5 (AOS5). Identifiers: Orphanet 974, MedGen C4014970, MONDO:0014459, OMIM 616028.
Familial thoracic aortic aneurysm and aortic dissection (TAAD). Also called: Thoracic aortic aneurysms and dissections. Identifiers: Orphanet 91387, MedGen C4707243, MONDO:0019625.

Allele frequency attached by ClinVar (database versions not stated): TOPMed below 0.00001.

Submissions (3):

Labcorp Genetics (formerly Invitae), Labcorp
Classification: Likely benign for Adams-Oliver syndrome 5. Last evaluated: 2025-10-14. Review status: criteria provided, single submitter. Criteria: Invitae Variant Classification Sherloc (09022015). Collection method: clinical testing. Allele origin: germline.

GeneDx
Classification: Uncertain significance. Last evaluated: 2024-01-22. Review status: criteria provided, single submitter. Criteria: GeneDx Variant Classification Process June 2021. Collection method: clinical testing. Allele origin: germline. Affected: yes.
Comment: Has not been previously published as pathogenic or benign to our knowledge; Not observed at significant frequency in large population cohorts (gnomAD); In silico analysis supports that this variant does not alter splicing

Ambry Genetics
Classification: Likely benign for Familial thoracic aortic aneurysm and aortic dissection. Last evaluated: 2022-04-03. Review status: criteria provided, single submitter. Criteria: Ambry Variant Classification Scheme 2023. Collection method: clinical testing. Allele origin: germline.

NM_017617.5(NOTCH1):c.7135C>T (p.Leu2379=)

Gene: NOTCH1 (notch receptor 1; minus strand). Cytogenetic location: 9q34.3.
Variant type: single nucleotide variant.
Coding change: c.7135C>T on transcript NM_017617.5 (MANE Select); coding-DNA position 7135, C replaced by T.
Protein change: p.Leu2379=; no amino-acid change (leucine 2379 retained).
Molecular consequence: synonymous variant.
Genome position (GRCh38, 1-based): chr9:136,496,604, G>A on the plus strand (C>T on the coding strand, the complement: NOTCH1 is on the minus strand). VCF-style: chr9-136496604-G-A. GRCh37 (hg19) VCF-style: chr9-139391056-G-A.
Identifiers: ClinVar variation 1757327 (VCV001757327.8), dbSNP rs907960826, ClinGen allele CA201632950.